The following is an entry in ClinVar:

ClinVar aggregate classification (germline): Uncertain significance (1 of 4 stars; one submission).

Conditions:
Generalized epilepsy with febrile seizures plus, type 7 (GEFSP7). Also called: GEFS+, TYPE 7. Identifiers: Orphanet 36387, MedGen C2751778, MONDO:0013470, OMIM 613863.
Neuropathy, hereditary sensory and autonomic, type 2A (HSAN2A). Also called: ACROOSTEOLYSIS, GIACCAI TYPE; ACROOSTEOLYSIS, NEUROGENIC; MORVAN DISEASE; NEUROPATHY, CONGENITAL SENSORY; NEUROPATHY, HEREDITARY SENSORY RADICULAR, AUTOSOMAL RECESSIVE; NEUROPATHY, HEREDITARY SENSORY, TYPE IIA. Identifiers: Orphanet 970, MedGen C2752089, MONDO:0024309, OMIM 201300.

Allele frequency attached by ClinVar (database versions not stated): gnomAD exomes below 0.00001.
gnomAD v4.1: 5 of 1,596,928 alleles (0.00031%); highest among the groups gnomAD compares: South Asian, 0.0011%; no homozygotes.

Submission:

Labcorp Genetics (formerly Invitae), Labcorp
Classification: Uncertain significance for Neuropathy, hereditary sensory and autonomic, type 2A; Generalized epilepsy with febrile seizures plus, type 7. Last evaluated: 2024-01-17. Review status: criteria provided, single submitter. Criteria: Invitae Variant Classification Sherloc (09022015). Collection method: clinical testing. Allele origin: germline.
Comment: This sequence change replaces alanine, which is neutral and non-polar, with threonine, which is neutral and polar, at codon 2 of the SCN9A protein (p.Ala2Thr). This variant is present in population databases (rs199841742, gnomAD 0.0009%). This variant has not been reported in the literature in individuals affected with SCN9A-related conditions. ClinVar contains an entry for this variant (Variation ID: 1034700). Advanced modeling of protein sequence and biophysical properties (such as structural, functional, and spatial information, amino acid conservation, physicochemical variation, residue mobility, and thermodynamic stability) has been performed at Invitae for this missense variant, however the output from this modeling did not meet the statistical confidence thresholds required to predict the impact of this variant on SCN9A protein function. In summary, the available evidence is currently insufficient to determine the role of this variant in disease. Therefore, it has been classified as a Variant of Uncertain Significance.

NM_001365536.1(SCN9A):c.4G>A (p.Ala2Thr)

Gene: SCN9A (sodium voltage-gated channel alpha subunit 9; minus strand). Cytogenetic location: 2q24.3.
Variant type: single nucleotide variant.
Coding change: c.4G>A on transcript NM_001365536.1 (MANE Select); coding-DNA position 4, G replaced by A.
Protein change: p.Ala2Thr; replaces alanine 2 with threonine.
Molecular consequence: missense variant.
Genome position (GRCh38, 1-based): chr2:166,311,753, C>T on the plus strand (G>A on the coding strand, the complement: SCN9A is on the minus strand). VCF-style: chr2-166311753-C-T. GRCh37 (hg19) VCF-style: chr2-167168263-C-T.
Other names: c.4G>A, p.Ala2Thr (NM_002977.4); short protein forms A2T.
Identifiers: ClinVar variation 1034700 (VCV001034700.9), dbSNP rs199841742, ClinGen allele CA59810489.